The following is an entry in ClinVar:

ClinVar aggregate classification (germline): Conflicting classifications of pathogenicity. Review status: criteria provided, conflicting classifications (1 of 4 stars). 4 submissions from 4 submitters: Uncertain significance (2); Likely benign (1). 1 of the submissions does not count toward it. Last evaluated 2025-12-01.

Conditions:
Pierson syndrome. Also called: MICROCORIA-CONGENITAL NEPHROTIC SYNDROME. Identifiers: Orphanet 2670, MedGen C1836876, MONDO:0012184, OMIM 609049.
LAMB2-related infantile-onset nephrotic syndrome. Also called: Nephrotic Syndrome, type 5; NEPHROTIC SYNDROME, TYPE 5, WITHOUT OCULAR ABNORMALITIES; NEPHROTIC SYNDROME, TYPE 5, WITH OCULAR ABNORMALITIES. Identifiers: Orphanet 306507, MedGen C3280113, MONDO:0013621, OMIM 614199.
LAMB2-related disorder. Also called: LAMB2-related condition.
Inborn genetic diseases. Identifiers: MedGen C0950123, MeSH D030342.

Allele frequency attached by ClinVar (database versions not stated): gnomAD 0.00006 and 0.00011; ESP Exome Variant Server 0.00008; TOPMed 0.00015; 1000 Genomes Project 0.00060; 1000 Genomes Project 30x 0.00062.
gnomAD v4.1: 121 of 1,614,094 alleles (0.0075%); highest among the groups gnomAD compares: East Asian, 0.12%; 1 homozygote.

Submissions (4):

Labcorp Genetics (formerly Invitae), Labcorp
Classification: Uncertain significance for LAMB2-related infantile-onset nephrotic syndrome; Pierson syndrome. Last evaluated: 2025-12-01. Review status: criteria provided, single submitter. Criteria: Invitae Variant Classification Sherloc (09022015). Collection method: clinical testing. Allele origin: germline.
Comment: This sequence change replaces arginine, which is basic and polar, with glutamine, which is neutral and polar, at codon 982 of the LAMB2 protein (p.Arg982Gln). This variant is present in population databases (rs149653966, gnomAD 0.2%). This variant has not been reported in the literature in individuals affected with LAMB2-related conditions. ClinVar contains an entry for this variant (Variation ID: 577310). An algorithm developed to predict the effect of missense changes on protein structure and function outputs the following: PolyPhen-2: "Benign". The glutamine amino acid residue is found in multiple mammalian species, which suggests that this missense change does not adversely affect protein function. In summary, the available evidence is currently insufficient to determine the role of this variant in disease. Therefore, it has been classified as a Variant of Uncertain Significance.

Ambry Genetics
Classification: Likely benign for Inborn genetic diseases. Last evaluated: 2024-12-11. Review status: criteria provided, single submitter. Criteria: Ambry Variant Classification Scheme 2023. Collection method: clinical testing. Allele origin: germline.

Fulgent Genetics
Classification: Uncertain significance for Pierson syndrome; LAMB2-related infantile-onset nephrotic syndrome. Last evaluated: 2022-03-11. Review status: criteria provided, single submitter. Criteria: ACMG Guidelines, 2015. Collection method: clinical testing. Allele origin: unknown.

PreventionGenetics, part of Exact Sciences
Classification: Likely benign for LAMB2-related condition. Last evaluated: 2022-03-21. Review status: no assertion criteria provided. Collection method: clinical testing. Allele origin: germline. Not counted in ClinVar's aggregate classification.
Comment: This variant is classified as likely benign based on ACMG/AMP sequence variant interpretation guidelines (Richards et al. 2015 PMID: 25741868, with internal and published modifications).

NM_002292.4(LAMB2):c.2945G>A (p.Arg982Gln)

Gene: LAMB2 (laminin subunit beta 2; minus strand). Cytogenetic location: 3p21.31.
Variant type: single nucleotide variant.
Coding change: c.2945G>A on transcript NM_002292.4 (MANE Select); coding-DNA position 2945, G replaced by A.
Protein change: p.Arg982Gln; replaces arginine 982 with glutamine.
Molecular consequence: missense variant.
Genome position (GRCh38, 1-based): chr3:49,124,865, C>T on the plus strand (G>A on the coding strand, the complement: LAMB2 is on the minus strand). VCF-style: chr3-49124865-C-T. GRCh37 (hg19) VCF-style: chr3-49162298-C-T.
Other names: short protein forms R982Q.
Identifiers: ClinVar variation 577310 (VCV000577310.10), dbSNP rs149653966, ClinGen allele CA2394155.
Genomic context (GRCh38, chr3:49,124,865, plus strand): 5'-GGGTCACAGGCATCAGGATCCATTGGGTCAATGTTCCCACTGCACTCACACAGTTGGCAC[C>T]GGCCACCTGGCCTTGATGGGTCCCCAAAGTGCCCAGGGGCACAAGCTTCACATCGCAGCC-3'
Protein context (NP_002283.3, residues 972-992): HFGDPSRPGG[Arg982Gln]CQLCECSGNI